The following is an entry in ClinVar:

NM_020376.4(PNPLA2):c.758-1G>C

Gene: PNPLA2 (patatin like domain 2, triacylglycerol lipase; plus strand). Cytogenetic location: 11p15.5.
Variant type: single nucleotide variant.
Coding change: c.758-1G>C on transcript NM_020376.4 (MANE Select); the canonical splice acceptor site of the intron before coding-DNA position 758, G replaced by C.
Molecular consequence: splice acceptor variant.
Genome position (GRCh38, 1-based): chr11:823,693, G>C. VCF-style: chr11-823693-G-C. GRCh37 (hg19) VCF-style: chr11-823693-G-C.
Identifiers: ClinVar variation 1065631 (VCV001065631.2), dbSNP rs1318685186, ClinGen allele CA378981071.

ClinVar aggregate classification (germline): Likely pathogenic (1 of 4 stars; one submission).

Conditions:
Neutral lipid storage myopathy (NLSDM). Also called: NEUTRAL LIPID STORAGE DISEASE WITHOUT ICHTHYOSIS. Identifiers: Orphanet 98908, MedGen C1853136, MONDO:0012545, OMIM 610717.

Submission:

School of Computer Science, University of Waterloo
Classification: Likely pathogenic for Neutral lipid storage myopathy. Last evaluated: 2021-05-06. Review status: criteria provided, single submitter. Criteria: ACMG Guidelines, 2015. Collection method: clinical testing. Allele origin: germline. Affected: no. Observed: 53 variant alleles.
Comment: Evidence categories PVS1 and PM2 in ACMG guidelines. This is a splice acceptor variant in gene PNPLA2 that may disrupt mRNA splicing and result in an absent or disrupted protein product. 3 similar donor variants in the same gene have been reported as pathogenic (clinvar 39867, 39865, 520846)